The following is an entry in ClinVar:

ClinVar aggregate classification (germline): Conflicting classifications of pathogenicity. Review status: criteria provided, conflicting classifications (1 of 4 stars). 5 submissions from 5 submitters: Uncertain significance (3); Likely benign (1). 1 of the submissions does not count toward it. Last evaluated 2025-05-13.

Conditions:
Hereditary cancer-predisposing syndrome. Also called: Neoplastic Syndromes, Hereditary; Hereditary Cancer Syndrome; Tumor predisposition; Hereditary neoplastic syndrome. Identifiers: Orphanet 140162, MedGen C0027672, MeSH D009386, MONDO:0015356.
Ataxia-telangiectasia syndrome (AT). Also called: Ataxia-telangiectasia, complementation group D; AT, COMPLEMENTATION GROUP C; Ataxia-telangiectasia, complementation group E; Cerebello-oculocutaneous telangiectasia; Immunodeficiency with ataxia telangiectasia; ATAXIA-TELANGIECTASIA, COMPLEMENTATION GROUP A. Identifiers: Orphanet 100, MedGen C0004135, MONDO:0008840, OMIM 208900.

Allele frequency attached by ClinVar (database versions not stated): gnomAD exomes below 0.00001.
gnomAD v4.1: 3 of 1,612,656 alleles (0.00019%); highest among the groups gnomAD compares: Non-Finnish European, 0.00025%; no homozygotes.

Submissions (5):

Ambry Genetics
Classification: Likely benign for Hereditary cancer-predisposing syndrome. Last evaluated: 2025-05-13. Review status: criteria provided, single submitter. Criteria: Ambry Variant Classification Scheme 2023. Collection method: clinical testing. Allele origin: germline.

Labcorp Genetics (formerly Invitae), Labcorp
Classification: Uncertain significance for Ataxia-telangiectasia syndrome. Last evaluated: 2024-04-24. Review status: criteria provided, single submitter. Criteria: Invitae Variant Classification Sherloc (09022015). Collection method: clinical testing. Allele origin: germline.
Comment: This sequence change replaces threonine, which is neutral and polar, with alanine, which is neutral and non-polar, at codon 371 of the ATM protein (p.Thr371Ala). This variant is not present in population databases (gnomAD no frequency). This missense change has been observed in individual(s) with clinical features of ATM-related conditions (PMID: 31159747). ClinVar contains an entry for this variant (Variation ID: 584484). Algorithms developed to predict the effect of missense changes on protein structure and function output the following: SIFT: "Not Available"; PolyPhen-2: "Benign"; Align-GVGD: "Not Available". The alanine amino acid residue is found in multiple mammalian species, which suggests that this missense change does not adversely affect protein function. In summary, the available evidence is currently insufficient to determine the role of this variant in disease. Therefore, it has been classified as a Variant of Uncertain Significance.

Color Diagnostics, LLC DBA Color Health
Classification: Uncertain significance for Hereditary cancer-predisposing syndrome. Last evaluated: 2019-02-02. Review status: criteria provided, single submitter. Criteria: ACMG Guidelines, 2015. Collection method: clinical testing. Allele origin: germline.

GeneKor MSA
Classification: Uncertain significance for Hereditary cancer-predisposing syndrome. Last evaluated: 2018-08-01. Review status: criteria provided, single submitter. Criteria: ACMG Guidelines, 2015. Collection method: clinical testing. Allele origin: germline. Affected: yes.

Natera, Inc.
Classification: Uncertain significance for Ataxia-telangiectasia. Last evaluated: 2020-09-17. Review status: no assertion criteria provided. Collection method: clinical testing. Allele origin: germline. Not counted in ClinVar's aggregate classification.

Literature cited by the submitters: PubMed 31159747 (cited by Labcorp Genetics (formerly Invitae), Labcorp).

NM_000051.4(ATM):c.1111A>G (p.Thr371Ala)

Gene: ATM (ATM serine/threonine kinase; plus strand). Cytogenetic location: 11q22.3.
Variant type: single nucleotide variant.
Coding change: c.1111A>G on transcript NM_000051.4 (MANE Select); coding-DNA position 1111, A replaced by G.
Protein change: p.Thr371Ala; replaces threonine 371 with alanine.
Molecular consequence: missense variant.
Genome position (GRCh38, 1-based): chr11:108,248,978, A>G. VCF-style: chr11-108248978-A-G. GRCh37 (hg19) VCF-style: chr11-108119705-A-G.
Other names: c.1111A>G, p.Thr371Ala (NM_001351834.2); short protein forms T371A.
Identifiers: ClinVar variation 584484 (VCV000584484.25), dbSNP rs1565378985, ClinGen allele CA382532406.
Genomic context (GRCh38, chr11:108,248,978, plus strand): 5'-ATTTTTATTTTACAGGTTTTTAATGAAGATACCAGATCCTTGGAGATTTCTCAATCTTAC[A>G]CTACTACACAAAGAGAATCTAGTGATTACAGTGTCCCTTGCAAAAGGAAGAAAATAGAAC-3'
Protein context (NP_000042.3, residues 361-381): TRSLEISQSY[Thr371Ala]TTQRESSDYS